The following is an entry in ClinVar:

ClinVar aggregate classification (germline): Likely benign (1 of 4 stars; one submission).

gnomAD v4.1: 42 of 1,614,010 alleles (0.0026%); highest among the groups gnomAD compares: Middle Eastern, 0.13%; no homozygotes.

Submission:

CeGaT Center for Human Genetics Tuebingen
Classification: Likely benign. Last evaluated: 2024-11-01. Review status: criteria provided, single submitter. Criteria: CeGaT Center For Human Genetics Tuebingen Variant Classification Criteria Version 2. Collection method: clinical testing. Allele origin: germline. Affected: yes. Observed: 1 variant allele.
Comment: RASGRF2: BP4, BP7

NM_006909.3(RASGRF2):c.774C>T (p.Tyr258=)

Gene: RASGRF2 (Ras protein specific guanine nucleotide releasing factor 2; plus strand). Cytogenetic location: 5q14.1.
Variant type: single nucleotide variant.
Coding change: c.774C>T on transcript NM_006909.3 (MANE Select); coding-DNA position 774, C replaced by T.
Protein change: p.Tyr258=; no amino-acid change (tyrosine 258 retained).
Molecular consequence: synonymous variant.
Genome position (GRCh38, 1-based): chr5:81,073,339, C>T. VCF-style: chr5-81073339-C-T. GRCh37 (hg19) VCF-style: chr5-80369158-C-T.
Identifiers: ClinVar variation 3388263 (VCV003388263.14).